The following is an entry in ClinVar:

ClinVar aggregate classification (germline): Uncertain significance (1 of 4 stars; one submission).

Conditions:
Norman-Roberts syndrome (LIS2). Also called: Lissencephaly 2 (Norman-Roberts type). Identifiers: Orphanet 89844, MedGen C0796089, MONDO:0009760, OMIM 257320.
Familial temporal lobe epilepsy 7. Identifiers: Orphanet 101046, MedGen C4225327, MONDO:0014639, OMIM 616436.

Allele frequency attached by ClinVar (database versions not stated): gnomAD exomes below 0.00001; ExAC 0.00001; gnomAD 0.00001; 1000 Genomes Project 30x 0.00016; 1000 Genomes Project 0.00020.
gnomAD v4.1: 7 of 1,614,024 alleles (0.00043%); highest among the groups gnomAD compares: Non-Finnish European, 0.00059%; no homozygotes.

Submission:

Labcorp Genetics (formerly Invitae), Labcorp
Classification: Uncertain significance for Familial temporal lobe epilepsy 7; Norman-Roberts syndrome. Last evaluated: 2022-12-02. Review status: criteria provided, single submitter. Criteria: Invitae Variant Classification Sherloc (09022015). Collection method: clinical testing. Allele origin: germline.
Comment: In summary, the available evidence is currently insufficient to determine the role of this variant in disease. Therefore, it has been classified as a Variant of Uncertain Significance. Advanced modeling of protein sequence and biophysical properties (such as structural, functional, and spatial information, amino acid conservation, physicochemical variation, residue mobility, and thermodynamic stability) performed at Invitae indicates that this missense variant is not expected to disrupt RELN protein function. ClinVar contains an entry for this variant (Variation ID: 1396611). This variant has not been reported in the literature in individuals affected with RELN-related conditions. The frequency data for this variant in the population databases is considered unreliable, as metrics indicate poor data quality at this position in the gnomAD database. This sequence change replaces alanine, which is neutral and non-polar, with threonine, which is neutral and polar, at codon 2654 of the RELN protein (p.Ala2654Thr).

NM_005045.4(RELN):c.7960G>A (p.Ala2654Thr)

Gene: RELN (reelin; minus strand). Cytogenetic location: 7q22.1.
Variant type: single nucleotide variant.
Coding change: c.7960G>A on transcript NM_005045.4 (MANE Select); coding-DNA position 7960, G replaced by A.
Protein change: p.Ala2654Thr; replaces alanine 2654 with threonine.
Molecular consequence: missense variant.
Genome position (GRCh38, 1-based): chr7:103,515,344, C>T on the plus strand (G>A on the coding strand, the complement: RELN is on the minus strand). VCF-style: chr7-103515344-C-T. GRCh37 (hg19) VCF-style: chr7-103155791-C-T.
Other names: c.7960G>A, p.Ala2654Thr (NM_173054.3); short protein forms A2654T.
Identifiers: ClinVar variation 1396611 (VCV001396611.8), dbSNP rs200915887, ClinGen allele CA4420598.